The following is an entry in ClinVar:

NM_001363711.2(DUOX2):c.4625T>C (p.Met1542Thr)

Gene: DUOX2 (dual oxidase 2; minus strand). Cytogenetic location: 15q21.1.
Variant type: single nucleotide variant.
Coding change: c.4625T>C on transcript NM_001363711.2 (MANE Select); coding-DNA position 4625, T replaced by C.
Protein change: p.Met1542Thr; replaces methionine 1542 with threonine.
Molecular consequence: missense variant.
Genome position (GRCh38, 1-based): chr15:45,094,172, A>G on the plus strand (T>C on the coding strand, the complement: DUOX2 is on the minus strand). VCF-style: chr15-45094172-A-G. GRCh37 (hg19) VCF-style: chr15-45386370-A-G.
Other names: c.4625T>C, p.Met1542Thr (NM_014080.5); short protein forms M1542T.
Identifiers: ClinVar variation 2852339 (VCV002852339.3), dbSNP rs372975311, ClinGen allele CA7537448.
Genomic context (GRCh38, chr15:45,094,172, plus strand): 5'-AGGCAGGATACTGGAAGCAGCAGCCAGGGAGGACAGGCTCAGAAGTTCTCATAGTGGTGC[A>G]TGAAGTGGGCTCGGTCCTGCCTGTTGACGAGCTGACAGGCCTTCTCTACATTCTTGGTCA-3'
Protein context (NP_001350640.1, residues 1532-1548): LVNRQDRAHF[Met1542Thr]HHYENF

ClinVar aggregate classification (germline): Uncertain significance (1 of 4 stars; one submission).

Allele frequency attached by ClinVar (database versions not stated): gnomAD exomes below 0.00001; TOPMed below 0.00001; ExAC 0.00001; ESP Exome Variant Server 0.00008.

Submission:

Labcorp Genetics (formerly Invitae), Labcorp
Classification: Uncertain significance. Last evaluated: 2023-10-14. Review status: criteria provided, single submitter. Criteria: Invitae Variant Classification Sherloc (09022015). Collection method: clinical testing. Allele origin: germline.
Comment: This sequence change replaces methionine, which is neutral and non-polar, with threonine, which is neutral and polar, at codon 1542 of the DUOX2 protein (p.Met1542Thr). This variant is present in population databases (rs372975311, gnomAD 0.0009%). This variant has not been reported in the literature in individuals affected with DUOX2-related conditions. Advanced modeling of protein sequence and biophysical properties (such as structural, functional, and spatial information, amino acid conservation, physicochemical variation, residue mobility, and thermodynamic stability) performed at Invitae indicates that this missense variant is not expected to disrupt DUOX2 protein function. In summary, the available evidence is currently insufficient to determine the role of this variant in disease. Therefore, it has been classified as a Variant of Uncertain Significance.